The following is an entry in ClinVar:

NM_000817.3(GAD1):c.*513C>T

Gene: GAD1 (glutamate decarboxylase 1; plus strand). Cytogenetic location: 2q31.1.
Variant type: single nucleotide variant.
Coding change: c.*513C>T on transcript NM_000817.3 (MANE Select); 513 bases downstream of the stop codon, C replaced by T.
Molecular consequence: 3 prime UTR variant.
Genome position (GRCh38, 1-based): chr2:170,860,395, C>T. VCF-style: chr2-170860395-C-T. GRCh37 (hg19) VCF-style: chr2-171716905-C-T.
Identifiers: ClinVar variation 332247 (VCV000332247.7), dbSNP rs45456393, ClinGen allele CA10611816.

ClinVar aggregate classification (germline): Benign (1 of 4 stars; one submission).

Conditions:
Neurodevelopmental disorder with progressive spasticity and brain white matter abnormalities. Also called: CEREBRAL PALSY, SPASTIC QUADRIPLEGIC, 1. Identifiers: Orphanet 210141, Orphanet 641353, MedGen C5436628, MONDO:0033613, OMIM 619026.

Allele frequency attached by ClinVar (database versions not stated): gnomAD 0.00886 and 0.00956; 1000 Genomes Project 0.00998; 1000 Genomes Project 30x 0.01046; gnomAD exomes 0.00058; TOPMed 0.00992.
gnomAD v4.1: 1,346 of 163,056 alleles (0.83%); highest among the groups gnomAD compares: African/African-American, 3%; 24 homozygotes.

Submission:

Illumina Laboratory Services, Illumina
Classification: Benign. Last evaluated: 2018-01-13. Review status: criteria provided, single submitter. Criteria: ICSL Variant Classification Criteria 13 December 2019. Collection method: clinical testing. Allele origin: germline.
Comment: This variant was observed in the ICSL laboratory as part of a predisposition screen in an ostensibly healthy population. It had not been previously curated by ICSL or reported in the Human Gene Mutation Database (HGMD: prior to June 1st, 2018), and was therefore a candidate for classification through an automated scoring system. Utilizing variant allele frequency, disease prevalence and penetrance estimates, and inheritance mode, an automated score was calculated to assess if this variant is too frequent to cause the disease. Based on the score and internal cut-off values, a variant classified as benign is not then subjected to further curation. The score for this variant resulted in a classification of benign for this disease.